The following is an entry in ClinVar:

ClinVar aggregate classification (germline): Likely pathogenic. Review status: criteria provided, multiple submitters, no conflicts (2 of 4 stars). 5 submissions from 5 submitters: Likely pathogenic (4). 1 of the submissions does not count toward it. Last evaluated 2025-06-18.

Conditions:
Hereditary fructosuria. Also called: ALDOB DEFICIENCY; ALDOLASE B DEFICIENCY; FRUCTOSE-1,6-BISPHOSPHATE ALDOLASE B DEFICIENCY; FRUCTOSE-1-PHOSPHATE ALDOLASE DEFICIENCY; FRUCTOSEMIA; Hereditary fructose intolerance. Identifiers: Orphanet 469, MedGen C0016751, MONDO:0009249, OMIM 229600, HP:0005973. Disease mechanism: loss of function.

Submissions (5):

Natera, Inc.
Classification: Likely pathogenic for Fructose intolerance. Last evaluated: 2025-06-18. Review status: criteria provided, single submitter. Criteria: Natera Variant Classification Schema (03/2026). Collection method: clinical testing. Allele origin: germline.
Comment: The c.379+1G>A variant in ALDOB is a canonical splice donor site variant predicted to affect pre-mRNA splicing, which may result in an abnormal transcript and altered protein product. This variant is expected to result in nonsense mediated decay, truncation, or a dysfunctional protein product. This variant is rare in the general population with a frequency below the threshold expected for the associated phenotype(s). Given the available evidence, this variant is classified as Likely Pathogenic.

Fulgent Genetics
Classification: Likely pathogenic for Hereditary fructosuria. Last evaluated: 2023-12-21. Review status: criteria provided, single submitter. Criteria: ACMG Guidelines, 2015. Collection method: clinical testing. Allele origin: germline.

Labcorp Genetics (formerly Invitae), Labcorp
Classification: Likely pathogenic for Hereditary fructosuria. Last evaluated: 2023-10-29. Review status: criteria provided, single submitter. Criteria: Invitae Variant Classification Sherloc (09022015). Collection method: clinical testing. Allele origin: germline.
Comment: This sequence change affects a donor splice site in intron 4 of the ALDOB gene. It is expected to disrupt RNA splicing. Variants that disrupt the donor or acceptor splice site typically lead to a loss of protein function (PMID: 16199547), and loss-of-function variants in ALDOB are known to be pathogenic (PMID: 18541450). This variant is not present in population databases (gnomAD no frequency). This variant has not been reported in the literature in individuals affected with ALDOB-related conditions. ClinVar contains an entry for this variant (Variation ID: 371023). Algorithms developed to predict the effect of sequence changes on RNA splicing suggest that this variant may disrupt the consensus splice site. In summary, the currently available evidence indicates that the variant is pathogenic, but additional data are needed to prove that conclusively. Therefore, this variant has been classified as Likely Pathogenic.

Women's Health and Genetics/Laboratory Corporation of America, LabCorp
Classification: Likely pathogenic for Hereditary fructosuria. Last evaluated: 2022-12-16. Review status: criteria provided, single submitter. Criteria: LabCorp Variant Classification Summary - May 2015. Collection method: clinical testing. Allele origin: germline.
Comment: Variant summary: ALDOB c.379+1G>A is located in a canonical splice-site and is predicted to affect mRNA splicing resulting in a significantly altered protein due to either exon skipping, shortening, or inclusion of intronic material. Several computational tools predict a significant impact on normal splicing: Four predict the variant abolishes a 5' splicing donor site. However, these predictions have yet to be confirmed by functional studies. The variant was absent in 251404 control chromosomes. To our knowledge, no occurrence of c.379+1G>A in individuals affected with Hereditary Fructose Intolerance and no experimental evidence demonstrating its impact on protein function have been reported. One clinical diagnostic laboratory has submitted clinical-significance assessments for this variant to ClinVar after 2014 without evidence for independent evaluation. One laboratory classified the variant as likely pathogenic. Based on the evidence outlined above, the variant was classified as likely pathogenic.

Counsyl
Classification: Likely pathogenic for Hereditary fructosuria. Last evaluated: 2016-06-07. Review status: no assertion criteria provided. Collection method: clinical testing. Allele origin: unknown. Not counted in ClinVar's aggregate classification.

Literature cited by the submitters: PubMed 16199547 (cited by Labcorp Genetics (formerly Invitae), Labcorp); PubMed 18541450 (cited by Labcorp Genetics (formerly Invitae), Labcorp).

NM_000035.4(ALDOB):c.379+1G>A

Gene: ALDOB (aldolase, fructose-bisphosphate B; minus strand). Cytogenetic location: 9q31.1.
Variant type: single nucleotide variant.
Coding change: c.379+1G>A on transcript NM_000035.4 (MANE Select); the canonical splice donor site of the intron after coding-DNA position 379, G replaced by A.
Molecular consequence: splice donor variant.
Genome position (GRCh38, 1-based): chr9:101,428,468, C>T on the plus strand (G>A on the coding strand, the complement: ALDOB is on the minus strand). VCF-style: chr9-101428468-C-T. GRCh37 (hg19) VCF-style: chr9-104190750-C-T.
Identifiers: ClinVar variation 371023 (VCV000371023.11), dbSNP rs138121153, ClinGen allele CA16041287.